The following is an entry in ClinVar:

ClinVar aggregate classification (germline): Uncertain significance (1 of 4 stars; one submission).

Allele frequency attached by ClinVar (database versions not stated): TOPMed 0.00001.

Submission:

Labcorp Genetics (formerly Invitae), Labcorp
Classification: Uncertain significance. Last evaluated: 2020-12-13. Review status: criteria provided, single submitter. Criteria: Invitae Variant Classification Sherloc (09022015). Collection method: clinical testing. Allele origin: germline.
Comment: In summary, the available evidence is currently insufficient to determine the role of this variant in disease. Therefore, it has been classified as a Variant of Uncertain Significance. Algorithms developed to predict the effect of missense changes on protein structure and function are either unavailable or do not agree on the potential impact of this missense change (SIFT: "Deleterious"; PolyPhen-2: "Probably Damaging"; Align-GVGD: "Class C15"). This variant has been observed in individual(s) with clinical features of retinitis pigmentosa (PMID: 19520207). This variant is not present in population databases (ExAC no frequency). This sequence change replaces aspartic acid with asparagine at codon 255 of the KLHL7 protein (p.Asp255Asn). The aspartic acid residue is highly conserved and there is a small physicochemical difference between aspartic acid and asparagine.

Literature cited by the submitters: PubMed 19520207.

NM_001031710.3(KLHL7):c.763G>A (p.Asp255Asn)

Gene: KLHL7 (kelch like family member 7; plus strand). Cytogenetic location: 7p15.3.
Variant type: single nucleotide variant.
Coding change: c.763G>A on transcript NM_001031710.3 (MANE Select); coding-DNA position 763, G replaced by A.
Protein change: p.Asp255Asn; replaces aspartic acid 255 with asparagine.
Molecular consequence: missense variant. On other transcripts: non-coding transcript variant (1).
Genome position (GRCh38, 1-based): chr7:23,143,995, G>A. VCF-style: chr7-23143995-G-A. GRCh37 (hg19) VCF-style: chr7-23183614-G-A.
Other names: c.619G>A, p.Asp207Asn (NM_018846.5); short protein forms D207N, D255N.
Identifiers: ClinVar variation 1418492 (VCV001418492.8), dbSNP rs1227070758, ClinGen allele CA366978000.
Genomic context (GRCh38, chr7:23,143,995, plus strand): 5'-TTTCCTCTTATATCAAAGAATTTCTTAAGTAAAACGGTACAAGCTGAACCACTTATTCAA[G>A]ACAATCCTGAATGCCTTAAGATGGTGATAAGTAAGTTGCCTTAATAACCATTTATAACCT-3'
Protein context (NP_001026880.2, residues 245-265): KTVQAEPLIQ[Asp255Asn]NPECLKMVIS